The following is an entry in ClinVar:

ClinVar aggregate classification (germline): Uncertain significance. Review status: criteria provided, multiple submitters, no conflicts (2 of 4 stars). 2 submissions from 2 submitters: Uncertain significance (2). Last evaluated 2026-07-22.

Conditions:
3-Methylglutaconic aciduria type 2 (BTHS). Also called: CARDIOSKELETAL MYOPATHY WITH NEUTROPENIA AND ABNORMAL MITOCHONDRIA; Barth syndrome. Identifiers: Orphanet 111, MedGen C0574083, MONDO:0010543, OMIM 302060.
Cardiovascular phenotype. Identifiers: MedGen CN230736.

Allele frequency attached by ClinVar (database versions not stated): gnomAD exomes below 0.00001.

Submissions (2):

Ambry Genetics
Classification: Uncertain significance for Cardiovascular phenotype. Last evaluated: 2026-07-22. Review status: criteria provided, single submitter. Criteria: Ambry Variant Classification Scheme 2023. Collection method: clinical testing. Allele origin: germline.
Comment: The p.R230C variant (also known as c.688C>T), located in coding exon 9 of the TAZ gene, results from a C to T substitution at nucleotide position 688. The arginine at codon 230 is replaced by cysteine, an amino acid with highly dissimilar properties. This amino acid position is highly conserved in available vertebrate species. In addition, this alteration is predicted to be deleterious by in silico analysis. Based on the available evidence, the clinical significance of this variant remains unclear.

Baylor Genetics
Classification: Uncertain significance for 3-Methylglutaconic aciduria type 2. Last evaluated: 2023-03-07. Review status: criteria provided, single submitter. Criteria: ACMG Guidelines, 2015. Collection method: clinical testing. Allele origin: unknown.

NM_000116.5(TAFAZZIN):c.688C>T (p.Arg230Cys)

Gene: TAFAZZIN (tafazzin, phospholipid-lysophospholipid transacylase; plus strand). Cytogenetic location: Xq28.
Variant type: single nucleotide variant.
Coding change: c.688C>T on transcript NM_000116.5 (MANE Select); coding-DNA position 688, C replaced by T.
Protein change: p.Arg230Cys; replaces arginine 230 with cysteine.
Molecular consequence: missense variant. On other transcripts: non-coding transcript variant (1).
Genome position (GRCh38, 1-based): chrX:154,420,253, C>T. VCF-style: chrX-154420253-C-T. GRCh37 (hg19) VCF-style: chrX-153648592-C-T.
Other names: c.700C>T, p.Arg234Cys (NM_001303465.2); c.652C>T, p.Arg218Cys (NM_001410698.1); c.598C>T, p.Arg200Cys (NM_181311.4); c.646C>T, p.Arg216Cys (NM_181312.4); c.556C>T, p.Arg186Cys (NM_181313.4); c.688C>T (NM_000116.3); short protein forms R186C, R200C, R216C, R218C, R230C, R234C.
Identifiers: ClinVar variation 2582538 (VCV002582538.2), dbSNP rs1371436693, ClinGen allele CA415185232.